The following is an entry in ClinVar:

ClinVar aggregate classification (germline): Conflicting classifications of pathogenicity. Review status: criteria provided, conflicting classifications (1 of 4 stars). 2 submissions from 2 submitters: Uncertain significance (1); Likely benign (1). Last evaluated 2025-11-03.

Allele frequency attached by ClinVar (database versions not stated): gnomAD 0.00001; gnomAD exomes 0.00001; TOPMed 0.00001; ExAC 0.00008.
gnomAD v4.1: 24 of 1,596,852 alleles (0.0015%); highest among the groups gnomAD compares: East Asian, 0.038%; no homozygotes.

Submissions (2):

Ambry Genetics
Classification: Likely benign. Last evaluated: 2025-11-03. Review status: criteria provided, single submitter. Criteria: Ambry Variant Classification Scheme 2023. Collection method: clinical testing. Allele origin: germline.

Labcorp Genetics (formerly Invitae), Labcorp
Classification: Uncertain significance. Last evaluated: 2025-06-26. Review status: criteria provided, single submitter. Criteria: Invitae Variant Classification Sherloc (09022015). Collection method: clinical testing. Allele origin: germline.
Comment: This sequence change replaces serine, which is neutral and polar, with glycine, which is neutral and non-polar, at codon 359 of the PLEKHM2 protein (p.Ser359Gly). This variant is present in population databases (rs779397937, gnomAD 0.08%), and has an allele count higher than expected for a pathogenic variant. This variant has not been reported in the literature in individuals affected with PLEKHM2-related conditions. ClinVar contains an entry for this variant (Variation ID: 2148165). An algorithm developed to predict the effect of missense changes on protein structure and function outputs the following: PolyPhen-2: "Benign". The glycine amino acid residue is found in multiple mammalian species, which suggests that this missense change does not adversely affect protein function. In summary, the available evidence is currently insufficient to determine the role of this variant in disease. Therefore, it has been classified as a Variant of Uncertain Significance.

NM_015164.4(PLEKHM2):c.1075A>G (p.Ser359Gly)

Gene: PLEKHM2 (pleckstrin homology and RUN domain containing M2; plus strand). Cytogenetic location: 1p36.21.
Variant type: single nucleotide variant.
Coding change: c.1075A>G on transcript NM_015164.4 (MANE Select); coding-DNA position 1075, A replaced by G.
Protein change: p.Ser359Gly; replaces serine 359 with glycine.
Molecular consequence: missense variant.
Genome position (GRCh38, 1-based): chr1:15,727,147, A>G. VCF-style: chr1-15727147-A-G. GRCh37 (hg19) VCF-style: chr1-16053642-A-G.
Other names: c.1075A>G (NM_015164.2); c.1015A>G, p.Ser339Gly (NM_001410755.1); short protein forms S339G, S359G.
Identifiers: ClinVar variation 2148165 (VCV002148165.5), dbSNP rs779397937, ClinGen allele CA616843.